The following is an entry in ClinVar:

ClinVar aggregate classification (germline): Likely benign. Review status: criteria provided, multiple submitters, no conflicts (2 of 4 stars). 4 submissions from 4 submitters: Likely benign (3). 1 of the submissions does not count toward it. Last evaluated 2026-02-02.

Conditions:
ERCC5-related disorder. Also called: ERCC5-related condition.
Hereditary cancer-predisposing syndrome. Also called: Hereditary Cancer Syndrome; Neoplastic Syndromes, Hereditary; Hereditary neoplastic syndrome; Tumor predisposition. Identifiers: Orphanet 140162, MedGen C0027672, MeSH D009386, MONDO:0015356.

Allele frequency attached by ClinVar (database versions not stated): 1000 Genomes Project 30x 0.00047; ESP Exome Variant Server 0.00054; 1000 Genomes Project 0.00060; TOPMed 0.00062; gnomAD 0.00045.
gnomAD v4.1: 212 of 1,614,092 alleles (0.013%); highest among the groups gnomAD compares: African/African-American, 0.17%; no homozygotes.

Submissions (4):

Labcorp Genetics (formerly Invitae), Labcorp
Classification: Likely benign. Last evaluated: 2026-02-02. Review status: criteria provided, single submitter. Criteria: Invitae Variant Classification Sherloc (09022015). Collection method: clinical testing. Allele origin: germline.

CeGaT Center for Human Genetics Tuebingen
Classification: Likely benign. Last evaluated: 2025-05-01. Review status: criteria provided, single submitter. Criteria: CeGaT Center For Human Genetics Tuebingen Variant Classification Criteria Version 2. Collection method: clinical testing. Allele origin: germline. Affected: yes. Observed: 1 variant allele.
Comment: ERCC5: BP4, BP7

Sema4
Classification: Likely benign for Hereditary cancer-predisposing syndrome. Last evaluated: 2020-04-28. Review status: criteria provided, single submitter. Criteria: Sema4 Curation Guidelines. Collection method: curation. Allele origin: germline.

PreventionGenetics, part of Exact Sciences
Classification: Likely benign for ERCC5-related condition. Last evaluated: 2024-03-14. Review status: no assertion criteria provided. Collection method: clinical testing. Allele origin: germline. Not counted in ClinVar's aggregate classification.
Comment: This variant is classified as likely benign based on ACMG/AMP sequence variant interpretation guidelines (Richards et al. 2015 PMID: 25741868, with internal and published modifications).

NM_000123.4(ERCC5):c.1536C>T (p.Asp512=)

Genes: BIVM-ERCC5 (BIVM-ERCC5 readthrough; plus strand), ERCC5 (ERCC excision repair 5, endonuclease; plus strand). Cytogenetic location: 13q33.1.
Variant type: single nucleotide variant.
Coding change: c.1536C>T on transcript NM_000123.4 (MANE Select); coding-DNA position 1536, C replaced by T.
Protein change: p.Asp512=; no amino-acid change (aspartic acid 512 retained).
Molecular consequence: synonymous variant.
Genome position (GRCh38, 1-based): chr13:102,862,685, C>T. VCF-style: chr13-102862685-C-T. GRCh37 (hg19) VCF-style: chr13-103515035-C-T.
Other names: c.2898C>T, p.Asp966= (NM_001204425.2).
Identifiers: ClinVar variation 738799 (VCV000738799.33), dbSNP rs145853933, ClinGen allele CA7041428.